The following is an entry in ClinVar:

ClinVar aggregate classification (germline): Likely benign. Review status: criteria provided, multiple submitters, no conflicts (2 of 4 stars). 3 submissions from 3 submitters: Likely benign (3). Last evaluated 2024-03-21.

Conditions:
Cardiovascular phenotype. Identifiers: MedGen CN230736.

Allele frequency attached by ClinVar (database versions not stated): gnomAD exomes below 0.00001 and 0.00001.
gnomAD v4.1: 5 of 1,550,298 alleles (0.00032%); highest among the groups gnomAD compares: Middle Eastern, 0.017%; no homozygotes.

Submissions (3):

Ambry Genetics
Classification: Likely benign for Cardiovascular phenotype. Last evaluated: 2024-03-21. Review status: criteria provided, single submitter. Criteria: Ambry Variant Classification Scheme 2023. Collection method: clinical testing. Allele origin: germline.

Labcorp Genetics (formerly Invitae), Labcorp
Classification: Likely benign. Last evaluated: 2023-12-13. Review status: criteria provided, single submitter. Criteria: Invitae Variant Classification Sherloc (09022015). Collection method: clinical testing. Allele origin: germline.

GeneDx
Classification: Likely benign. Last evaluated: 2017-08-01. Review status: criteria provided, single submitter. Criteria: GeneDx Variant Classification (06012015). Collection method: clinical testing. Allele origin: germline. Affected: yes.
Comment: This variant is considered likely benign or benign based on one or more of the following criteria: it is a conservative change, it occurs at a poorly conserved position in the protein, it is predicted to be benign by multiple in silico algorithms, and/or has population frequency not consistent with disease.

NM_001367624.2(ZNF469):c.7140A>G (p.Pro2380=)

Gene: ZNF469 (zinc finger protein 469; plus strand). Cytogenetic location: 16q24.2.
Variant type: single nucleotide variant.
Coding change: c.7140A>G on transcript NM_001367624.2 (MANE Select); coding-DNA position 7140, A replaced by G.
Protein change: p.Pro2380=; no amino-acid change (proline 2380 retained).
Molecular consequence: synonymous variant.
Genome position (GRCh38, 1-based): chr16:88,434,610, A>G. VCF-style: chr16-88434610-A-G. GRCh37 (hg19) VCF-style: chr16-88501018-A-G.
Other names: NM_001127464.1:c.7056A>G.
Identifiers: ClinVar variation 511174 (VCV000511174.9), dbSNP rs1396219207, ClinGen allele CA497356903.
Genomic context (GRCh38, chr16:88,434,610, plus strand): 5'-GGACTCCCCCGCCTGCCTGGAAGGTGAGATGGGGACCAGCAGCAAGGAGCCGGAGGACCC[A>G]GGGACCCCTGAGACCGGGCGCTCTGGTGCTACCAAGATGCCCAGGGTCACCTGCCCTTCC-3'
Protein context (NP_001354553.1, residues 2370-2390): MGTSSKEPED[Pro2380=]GTPETGRSGA